The following is an entry in ClinVar:

ClinVar aggregate classification (germline): Likely benign. Review status: criteria provided, multiple submitters, no conflicts (2 of 4 stars). 2 submissions from 2 submitters: Likely benign (2). Last evaluated 2026-06-01.

Conditions:
Gastrointestinal stromal tumor. Also called: Gastrointestinal stromal tumor, somatic; Gastrointestinal stroma tumor. Identifiers: Orphanet 44890, MedGen C0238198, MeSH D046152, MONDO:0011719, OMIM 606764, HP:0100723.

Allele frequency attached by ClinVar (database versions not stated): gnomAD exomes below 0.00001 and 0.00001; TOPMed below 0.00001.
gnomAD v4.1: 2 of 1,553,098 alleles (0.00013%); highest among the groups gnomAD compares: Admixed American, 0.0033%; no homozygotes.

Submissions (2):

Myriad Genetics, Inc.
Classification: Likely benign for Gastrointestinal stromal tumor. Last evaluated: 2026-06-01. Review status: criteria provided, single submitter. Criteria: Myriad Autosomal Dominant, Autosomal Recessive and X-Linked Classification Criteria (2023). Collection method: clinical testing. Allele origin: unknown.
Comment: This variant is considered likely benign. This variant is intronic and is not expected to impact mRNA splicing.

Labcorp Genetics (formerly Invitae), Labcorp
Classification: Likely benign for Gastrointestinal stromal tumor. Last evaluated: 2024-01-27. Review status: criteria provided, single submitter. Criteria: Invitae Variant Classification Sherloc (09022015). Collection method: clinical testing. Allele origin: germline.

NM_000222.3(KIT):c.2485-14T>C

Gene: KIT (KIT proto-oncogene, receptor tyrosine kinase; plus strand). Cytogenetic location: 4q12.
Variant type: single nucleotide variant.
Coding change: c.2485-14T>C on transcript NM_000222.3 (MANE Select); 14 bases into the intron before coding-DNA position 2485, T replaced by C.
Molecular consequence: intron variant.
Genome position (GRCh38, 1-based): chr4:54,736,484, T>C. VCF-style: chr4-54736484-T-C. GRCh37 (hg19) VCF-style: chr4-55602650-T-C.
Other names: c.2488-14T>C (NM_001385284.1); c.2485-14T>C (NM_001385290.1); c.2476-14T>C (NM_001385288.1); c.2473-14T>C (NM_001385292.1, NM_001093772.2); c.2482-14T>C (NM_001385285.1); c.2470-14T>C (NM_001385286.1).
Identifiers: ClinVar variation 1593072 (VCV001593072.9), dbSNP rs1393779319, ClinGen allele CA551370133.